The following is an entry in ClinVar:

ClinVar aggregate classification (germline): Uncertain significance. Review status: criteria provided, multiple submitters, no conflicts (2 of 4 stars). 2 submissions from 2 submitters: Uncertain significance (2). Last evaluated 2024-09-10.

Conditions:
Inborn genetic diseases. Identifiers: MedGen C0950123, MeSH D030342.

Submissions (2):

Ambry Genetics
Classification: Uncertain significance for Inborn genetic diseases. Last evaluated: 2024-09-10. Review status: criteria provided, single submitter. Criteria: Ambry Variant Classification Scheme 2023. Collection method: clinical testing. Allele origin: germline.

Labcorp Genetics (formerly Invitae), Labcorp
Classification: Uncertain significance. Last evaluated: 2022-08-21. Review status: criteria provided, single submitter. Criteria: Invitae Variant Classification Sherloc (09022015). Collection method: clinical testing. Allele origin: germline.
Comment: In summary, the available evidence is currently insufficient to determine the role of this variant in disease. Therefore, it has been classified as a Variant of Uncertain Significance. Algorithms developed to predict the effect of missense changes on protein structure and function (SIFT, PolyPhen-2, Align-GVGD) all suggest that this variant is likely to be tolerated. This variant has not been reported in the literature in individuals affected with SCO2-related conditions. This variant is not present in population databases (gnomAD no frequency). This sequence change replaces arginine, which is basic and polar, with serine, which is neutral and polar, at codon 13 of the SCO2 protein (p.Arg13Ser).

NM_005138.3(SCO2):c.39G>C (p.Arg13Ser)

Genes: NCAPH2 (non-SMC condensin II complex subunit H2; plus strand), SCO2 (synthesis of cytochrome C oxidase 2; minus strand). Cytogenetic location: 22q13.33.
Variant type: single nucleotide variant.
Coding change: c.39G>C on transcript NM_005138.3 (MANE Select); coding-DNA position 39, G replaced by C.
Protein change: p.Arg13Ser; replaces arginine 13 with serine.
Molecular consequence: missense variant. On other transcripts: 3 prime UTR variant (2).
Genome position (GRCh38, 1-based): chr22:50,524,373, C>G on the plus strand (G>C on the coding strand, the complement: SCO2 is on the minus strand). VCF-style: chr22-50524373-C-G. GRCh37 (hg19) VCF-style: chr22-50962802-C-G.
Other names: c.*998C>G (NM_001185011.2, NM_152299.4); c.39G>C, p.Arg13Ser (NM_001169109.2, NM_001169110.1, NM_001169111.2); c.39G>C (NM_005138.2); short protein forms R13S.
Identifiers: ClinVar variation 1949560 (VCV001949560.6), dbSNP rs1416866419, ClinGen allele CA412194627.